The following is an entry in ClinVar:

NM_017415.3(KLHL3):c.407G>A (p.Arg136Gln)

Gene: KLHL3 (kelch like family member 3; minus strand). Cytogenetic location: 5q31.2.
Variant type: single nucleotide variant.
Coding change: c.407G>A on transcript NM_017415.3 (MANE Select); coding-DNA position 407, G replaced by A.
Protein change: p.Arg136Gln; replaces arginine 136 with glutamine.
Molecular consequence: missense variant.
Genome position (GRCh38, 1-based): chr5:137,692,404, C>T on the plus strand (G>A on the coding strand, the complement: KLHL3 is on the minus strand). VCF-style: chr5-137692404-C-T. GRCh37 (hg19) VCF-style: chr5-137028093-C-T.
Other names: c.311G>A, p.Arg104Gln (NM_001257194.1); c.161G>A, p.Arg54Gln (NM_001257195.2); short protein forms R136Q, R54Q, R104Q.
Identifiers: ClinVar variation 1907419 (VCV001907419.5), dbSNP rs1283148812, ClinGen allele CA361052056.

ClinVar aggregate classification (germline): Uncertain significance (1 of 4 stars; one submission).

Allele frequency attached by ClinVar (database versions not stated): gnomAD 0.00001; TOPMed 0.00002.
gnomAD v4.1: 4 of 1,613,892 alleles (0.00025%); highest among the groups gnomAD compares: Admixed American, 0.005%; no homozygotes.

Submission:

Labcorp Genetics (formerly Invitae), Labcorp
Classification: Uncertain significance. Last evaluated: 2023-08-10. Review status: criteria provided, single submitter. Criteria: Invitae Variant Classification Sherloc (09022015). Collection method: clinical testing. Allele origin: germline.
Comment: In summary, the available evidence is currently insufficient to determine the role of this variant in disease. Therefore, it has been classified as a Variant of Uncertain Significance. Advanced modeling of protein sequence and biophysical properties (such as structural, functional, and spatial information, amino acid conservation, physicochemical variation, residue mobility, and thermodynamic stability) performed at Invitae indicates that this missense variant is not expected to disrupt KLHL3 protein function. ClinVar contains an entry for this variant (Variation ID: 1907419). This variant has not been reported in the literature in individuals affected with KLHL3-related conditions. The frequency data for this variant in the population databases is considered unreliable, as metrics indicate poor data quality at this position in the gnomAD database. This sequence change replaces arginine, which is basic and polar, with glutamine, which is neutral and polar, at codon 136 of the KLHL3 protein (p.Arg136Gln).